The following is an entry in ClinVar:

NM_017777.4(MKS1):c.1411_1412delinsT (p.Glu471fs)

Gene: MKS1 (MKS transition zone complex subunit 1; minus strand). Cytogenetic location: 17q22.
Variant type: Indel.
Coding change: c.1411_1412delinsT on transcript NM_017777.4 (MANE Select); coding-DNA positions 1411 to 1412, GA replaced by T.
Protein change: p.Glu471fs; shifts the reading frame from glutamic acid 471.
Molecular consequence: frameshift variant. On other transcripts: intron variant (2).
Genome position (GRCh38, 1-based): chr17:58,206,543-58,206,544, TC replaced by A on the plus strand (GA replaced by T on the coding strand, the reverse complement: MKS1 is on the minus strand). VCF-style: chr17-58206543-TC-A. GRCh37 (hg19) VCF-style: chr17-56283904-TC-A.
Other names: c.802_803delinsT, p.Glu268fs (NM_001321268.2); c.1274-164_1274-163delinsT (NM_001330397.2); c.1408-164_1408-163delinsT (NM_001321269.2); short protein forms E268fs, E471fs.
Identifiers: ClinVar variation 1724356 (VCV001724356.3), dbSNP rs2509404204, ClinGen allele CA2580094292.

ClinVar aggregate classification (germline): Likely pathogenic (1 of 4 stars; one submission).

Conditions:
Ciliopathy. Also called: Ciliopathies. Identifiers: Orphanet 363250, MedGen C4277690, MONDO:0005308, MeSH D000072661.

Submission:

Myriad Genetics, Inc.
Classification: Likely pathogenic for Ciliopathy. Last evaluated: 2022-02-08. Review status: criteria provided, single submitter. Criteria: Myriad Autosomal Dominant, Autosomal Recessive and X-Linked Classification Criteria (2023). Collection method: clinical testing. Allele origin: unknown.
Comment: NM_017777.3(MKS1):c.1411_1412delGAinsT(E471Yfs*3) is expected to be pathogenic in the context of MKS1-related disorders. This variant is predicted to lead to an abnormal or absent protein product due to the creation of a premature termination codon in MKS1, a gene where loss-of-function variants are known to be pathogenic. Please note: this variant was assessed in the context of healthy population screening.